The following is an entry in ClinVar:

NM_004991.4(MECOM):c.1681C>T (p.Pro561Ser)

Gene: MECOM (MDS1 and EVI1 complex locus; minus strand). Cytogenetic location: 3q26.2.
Variant type: single nucleotide variant.
Coding change: c.1681C>T on transcript NM_004991.4 (MANE Select); coding-DNA position 1681, C replaced by T.
Protein change: p.Pro561Ser; replaces proline 561 with serine.
Molecular consequence: missense variant. On other transcripts: intron variant (2).
Genome position (GRCh38, 1-based): chr3:169,116,191, G>A on the plus strand (C>T on the coding strand, the complement: MECOM is on the minus strand). VCF-style: chr3-169116191-G-A. GRCh37 (hg19) VCF-style: chr3-168833979-G-A.
Other names: c.1312C>T, p.Pro438Ser (NM_001105077.4); c.1117C>T, p.Pro373Ser (NM_001105078.4, NM_001164000.2, NM_001205194.2 and 4 more transcripts); c.1120C>T, p.Pro374Ser (NM_001163999.2, NM_001366467.2, NM_001366468.2 and 1 more transcripts); c.1681C>T, p.Pro561Ser (NM_001366466.2); c.1133-424C>T (NM_001366473.2); c.569-424C>T (NM_001366474.2); short protein forms P374S, P438S, P561S, P373S.
Identifiers: ClinVar variation 4718474 (VCV004718474.1).
Genomic context (GRCh38, chr3:169,116,191, plus strand): 5'-CACTACTCTCTGACTGGTCACTGATTTTCTCAAAGGGCCTCTCTTCAGAGGACCTCTCGG[G>A]CTGGAGCTCCACTGGCTTATTGTCCCCTACAGATGGGTGTTTAGATAGTGCCTTCAAAAT-3'
Protein context (NP_004982.2, residues 551-571): VGDNKPVELQ[Pro561Ser]ERSSEERPFE

ClinVar aggregate classification (germline): Uncertain significance (1 of 4 stars; one submission).

Submission:

Labcorp Genetics (formerly Invitae), Labcorp
Classification: Uncertain significance. Last evaluated: 2025-08-01. Review status: criteria provided, single submitter. Criteria: Invitae Variant Classification Sherloc (09022015). Collection method: clinical testing. Allele origin: germline.
Comment: This sequence change replaces proline, which is neutral and non-polar, with serine, which is neutral and polar, at codon 373 of the MECOM protein (p.Pro373Ser). This variant is not present in population databases (gnomAD no frequency). This variant has not been reported in the literature in individuals affected with MECOM-related conditions. An algorithm developed to predict the effect of missense changes on protein structure and function (PolyPhen-2) suggests that this variant is likely to be tolerated. In summary, the available evidence is currently insufficient to determine the role of this variant in disease. Therefore, it has been classified as a Variant of Uncertain Significance.